The following is an entry in ClinVar:

ClinVar aggregate classification (germline): Pathogenic. Review status: criteria provided, multiple submitters, no conflicts (2 of 4 stars). 4 submissions from 4 submitters: Pathogenic (3). 1 of the submissions does not count toward it. Last evaluated 2024-09-24.

Conditions:
CDKL5 disorder. Identifiers: MedGen CN296942, MONDO:0100039.
Developmental and epileptic encephalopathy, 2 (DEE2). Also called: INFANTILE SPASM SYNDROME, X-LINKED 2; CDKL5 deficiency disorder. Identifiers: Orphanet 1934, Orphanet 3451, Orphanet 505652, MedGen C4750718, MONDO:0010396, OMIM 300672.
Angelman syndrome-like. Identifiers: MedGen CN128785.
Atypical Rett syndrome. Also called: Rett like syndrome; Variant Rett Syndrome. Identifiers: Orphanet 3095, MedGen C2748910, MONDO:0017746.

Submissions (4):

Centre for Population Genomics, CPG
Classification: Pathogenic for CDKL5 disorder. Last evaluated: 2024-09-24. Review status: criteria provided, single submitter. Criteria: McKnight et al. (Hum Mutat. 2022). Collection method: curation. Allele origin: germline. Inheritance: X-linked inheritance.
Comment: This variant has been collected from RettBASE and curated to current modified ACMG/AMP criteria. Based on the classification scheme defined by the ClinGen Rett/Angelman-like Expert Panel for Rett/AS-like Disorders Specifications to the ACMG/AMP Variant Interpretation Guidelines VCEP 3.0, this variant is classified as pathogenic. At least the following criteria are met: Predicted to result in loss of function, and LOF is a known mechanism of disease (PVS1). This variant is absent from gnomAD v4 (PM2_Supporting). Has been observed in at least 2 individuals with phenotypes consistent with CDKL5 disorder (PS4_Supporting).PMID: 24564546, 31487502, 33436160, 31175295, 31440721, 22982301, Variation ID: 189568

GeneDx
Classification: Pathogenic. Last evaluated: 2023-12-16. Review status: criteria provided, single submitter. Criteria: GeneDx Variant Classification Process June 2021. Collection method: clinical testing. Allele origin: germline. Affected: yes.
Comment: Deletions involving coding exons in this gene are frequently reported as pathogenic, regardless of frame prediction (HGMD); Not observed in large population cohorts (gnomAD); Canonical splice site variant predicted to result in an in-frame loss of the adjacent exon in a gene for which loss of function is a known mechanism of disease; This variant is associated with the following publications: (PMID: 24564546, 31487502, 33436160, 31175295, 31440721, 22982301)

Labcorp Genetics (formerly Invitae), Labcorp
Classification: Pathogenic for Developmental and epileptic encephalopathy, 2; Angelman syndrome-like. Last evaluated: 2023-08-30. Review status: criteria provided, single submitter. Criteria: Invitae Variant Classification Sherloc (09022015). Collection method: clinical testing. Allele origin: germline.
Comment: This sequence change affects a donor splice site in intron 13 of the CDKL5 gene. It is expected to disrupt RNA splicing. Variants that disrupt the donor or acceptor splice site typically lead to a loss of protein function (PMID: 16199547), and loss-of-function variants in CDKL5 are known to be pathogenic (PMID: 22872100). This variant is not present in population databases (gnomAD no frequency). Disruption of this splice site has been observed in individual(s) with CDKL5-related conditions (PMID: 22982301, 24564546, 31487502, 33436160). In at least one individual the variant was observed to be de novo. This variant is also known as IVS +1G>A (Intron 13) and IVS13+1A>G. ClinVar contains an entry for this variant (Variation ID: 189568). Algorithms developed to predict the effect of sequence changes on RNA splicing suggest that this variant may disrupt the consensus splice site. For these reasons, this variant has been classified as Pathogenic.

RettBASE
Classification: Pathogenic for Atypical Rett syndrome. Last evaluated: 2014-03-13. Review status: no assertion criteria provided. Collection method: curation. Allele origin: de novo. Affected: yes. Observed: 1 variant allele. Not counted in ClinVar's aggregate classification.
Comment: Disrupts splice site but effect on transcript uncertain

Literature cited by the submitters: PubMed 16199547 (cited by Labcorp Genetics (formerly Invitae), Labcorp); PubMed 22872100 (cited by Labcorp Genetics (formerly Invitae), Labcorp); PubMed 22982301 (cited by Labcorp Genetics (formerly Invitae), Labcorp and RettBASE); PubMed 24564546 (cited by Labcorp Genetics (formerly Invitae), Labcorp); PubMed 31487502 (cited by Labcorp Genetics (formerly Invitae), Labcorp); PubMed 33436160 (cited by Labcorp Genetics (formerly Invitae), Labcorp).

NM_001323289.2(CDKL5):c.2046+1G>A

Gene: CDKL5 (cyclin dependent kinase like 5; plus strand). Cytogenetic location: Xp22.13.
Variant type: single nucleotide variant.
Coding change: c.2046+1G>A on transcript NM_001323289.2 (MANE Select); the canonical splice donor site of the intron after coding-DNA position 2046, G replaced by A.
Molecular consequence: splice donor variant.
Genome position (GRCh38, 1-based): chrX:18,608,913, G>A. VCF-style: chrX-18608913-G-A. GRCh37 (hg19) VCF-style: chrX-18627033-G-A.
Other names: c.2046+1G>A (NM_003159.3, NM_001037343.2).
Identifiers: ClinVar variation 189568 (VCV000189568.10), dbSNP rs786204976, ClinGen allele CA199385.